The following is an entry in ClinVar:

ClinVar aggregate classification (germline): Uncertain significance. Review status: criteria provided, multiple submitters, no conflicts (2 of 4 stars). 2 submissions from 2 submitters: Uncertain significance (2). Last evaluated 2024-11-26.

Allele frequency attached by ClinVar (database versions not stated): TOPMed 0.00015; 1000 Genomes Project 30x 0.00016; ESP Exome Variant Server 0.00017; ExAC 0.00018; gnomAD 0.00019; 1000 Genomes Project 0.00020.
gnomAD v4.1: 138 of 765,096 alleles (0.018%); highest among the groups gnomAD compares: Non-Finnish European, 0.026%; no homozygotes.

Submissions (2):

Blueprint Genetics
Classification: Uncertain significance. Last evaluated: 2024-11-26. Review status: criteria provided, single submitter. Criteria: ACMG Guidelines, 2015. Collection method: clinical testing. Allele origin: germline.

Labcorp Genetics (formerly Invitae), Labcorp
Classification: Uncertain significance. Last evaluated: 2022-08-22. Review status: criteria provided, single submitter. Criteria: Invitae Variant Classification Sherloc (09022015). Collection method: clinical testing. Allele origin: germline.
Comment: This variant is present in population databases (rs199918636, gnomAD 0.03%). In summary, the available evidence is currently insufficient to determine the role of this variant in disease. Therefore, it has been classified as a Variant of Uncertain Significance. This variant has not been reported in the literature in individuals affected with SNORD118-related conditions. This variant occurs in the SNORD118 gene, which encodes an RNA molecule that does not result in a protein product.

NR_033294.2(SNORD118):n.102A>G

Genes: SNORD118 (small nucleolar RNA, C/D box 118; minus strand), TMEM107 (transmembrane protein 107; minus strand). Cytogenetic location: 17p13.1.
Variant type: single nucleotide variant.
Molecular consequence: non-coding transcript variant (on NR_033294.2). On other transcripts: 3 prime UTR variant (5).
Genome position: GRCh38 VCF-style: chr17-8173487-T-C. GRCh37 (hg19) VCF-style: chr17-8076805-T-C.
Other names: c.*716A>G (NM_001351278.2, NM_001351279.2, NM_001351280.2 and 2 more transcripts).
Identifiers: ClinVar variation 1897988 (VCV001897988.4), dbSNP rs199918636, ClinGen allele CA8370629.
Genomic context (GRCh38, chr17:8,173,487, plus strand): 5'-CACAAATGTAAGTGATCGTCAGAAAGAATCAGACAGGAGCAATCAGGGTGTTGCAAGTCC[T>C]GATTACGCAGAGACGTTAATCACGTTTCATGCATCTCCAATCATCATGTTCTAATCTGCC-3'